The following is an entry in ClinVar:

NM_032043.3(BRIP1):c.3065A>T (p.Glu1022Val)

Gene: BRIP1 (BRCA1 interacting DNA helicase 1; minus strand). Cytogenetic location: 17q23.2.
Variant type: single nucleotide variant.
Coding change: c.3065A>T on transcript NM_032043.3 (MANE Select); coding-DNA position 3065, A replaced by T.
Protein change: p.Glu1022Val; replaces glutamic acid 1022 with valine.
Molecular consequence: missense variant.
Genome position (GRCh38, 1-based): chr17:61,683,981, T>A on the plus strand (A>T on the coding strand, the complement: BRIP1 is on the minus strand). VCF-style: chr17-61683981-T-A. GRCh37 (hg19) VCF-style: chr17-59761342-T-A.
Other names: short protein forms E1022V.
Identifiers: ClinVar variation 1332080 (VCV001332080.14), dbSNP rs2144089594, ClinGen allele CA400479883.

ClinVar aggregate classification (germline): Uncertain significance. Review status: criteria provided, multiple submitters, no conflicts (2 of 4 stars). 3 submissions from 3 submitters: Uncertain significance (3). Last evaluated 2025-12-24.

Conditions:
Fanconi anemia complementation group J. Also called: BRIP1-Related Fanconi Anemia. Identifiers: Orphanet 84, MedGen C1836860, MONDO:0012187, OMIM 609054.
Familial cancer of breast. Also called: Hereditary breast cancer; hereditary breast carcinoma; BREAST CANCER, FAMILIAL. Identifiers: Orphanet 227535, MedGen C0346153, MONDO:0016419, OMIM 114480. Disease mechanism: loss of function.
Hereditary cancer-predisposing syndrome. Also called: Hereditary neoplastic syndrome; Tumor predisposition; Neoplastic Syndromes, Hereditary; Hereditary Cancer Syndrome. Identifiers: Orphanet 140162, MedGen C0027672, MeSH D009386, MONDO:0015356.

Submissions (3):

Ambry Genetics
Classification: Uncertain significance for Hereditary cancer-predisposing syndrome. Last evaluated: 2025-12-24. Review status: criteria provided, single submitter. Criteria: Ambry Variant Classification Scheme 2023. Collection method: clinical testing. Allele origin: germline.
Comment: The p.E1022V variant (also known as c.3065A>T), located in coding exon 19 of the BRIP1 gene, results from an A to T substitution at nucleotide position 3065. The glutamic acid at codon 1022 is replaced by valine, an amino acid with dissimilar properties. This amino acid position is conserved. In addition, this alteration is predicted to be tolerated by in silico analysis. Based on the available evidence, the clinical significance of this variant remains unclear.

Color Diagnostics, LLC DBA Color Health
Classification: Uncertain significance for Hereditary cancer-predisposing syndrome. Last evaluated: 2024-03-06. Review status: criteria provided, single submitter. Criteria: ACMG Guidelines, 2015. Collection method: clinical testing. Allele origin: germline.
Comment: This missense variant replaces glutamic acid with valine at codon 1022 of the BRIP1 protein. Computational prediction suggests that this variant may not impact protein structure and function (internally defined REVEL score threshold <= 0.5, PMID: 27666373). To our knowledge, functional studies have not been reported for this variant. This variant has not been reported in individuals affected with hereditary cancer in the literature. This variant has not been identified in the general population by the Genome Aggregation Database (gnomAD). The available evidence is insufficient to determine the role of this variant in disease conclusively. Therefore, this variant is classified as a Variant of Uncertain Significance.

Labcorp Genetics (formerly Invitae), Labcorp
Classification: Uncertain significance for Familial cancer of breast; Fanconi anemia complementation group J. Last evaluated: 2021-06-20. Review status: criteria provided, single submitter. Criteria: Invitae Variant Classification Sherloc (09022015). Collection method: clinical testing. Allele origin: germline.
Comment: In summary, the available evidence is currently insufficient to determine the role of this variant in disease. Therefore, it has been classified as a Variant of Uncertain Significance. Algorithms developed to predict the effect of missense changes on protein structure and function output the following: SIFT: "Tolerated"; PolyPhen-2: "Benign"; Align-GVGD: "Class C0". The valine amino acid residue is found in multiple mammalian species, suggesting that this missense change does not adversely affect protein function. These predictions have not been confirmed by published functional studies and their clinical significance is uncertain. This variant has not been reported in the literature in individuals with BRIP1-related conditions. This variant is not present in population databases (ExAC no frequency). This sequence change replaces glutamic acid with valine at codon 1022 of the BRIP1 protein (p.Glu1022Val). The glutamic acid residue is weakly conserved and there is a moderate physicochemical difference between glutamic acid and valine.